The following is an entry in ClinVar:

NM_021961.6(TEAD1):c.368C>T (p.Ala123Val)

Gene: TEAD1 (TEA domain transcription factor 1; plus strand). Cytogenetic location: 11p15.3.
Variant type: single nucleotide variant.
Coding change: c.368C>T on transcript NM_021961.6 (MANE Select); coding-DNA position 368, C replaced by T.
Protein change: p.Ala123Val; replaces alanine 123 with valine.
Molecular consequence: missense variant.
Genome position (GRCh38, 1-based): chr11:12,879,745, C>T. VCF-style: chr11-12879745-C-T. GRCh37 (hg19) VCF-style: chr11-12901292-C-T.
Other names: c.368C>T (NM_021961.5); short protein forms A123V.
Identifiers: ClinVar variation 1011663 (VCV001011663.10), dbSNP rs866303048, ClinGen allele CA217824038.
Genomic context (GRCh38, chr11:12,879,745, plus strand): 5'-GGTGTGTCACTGTCACCTTCAAGGATCAGACTGCAAAGGATAAGGCCCTGCAGCACATGG[C>T]GGCCATGTCCTCAGCCCAGATCGTCTCGGCCACTGCCATTCATAACAAGCTGGGGCTGCC-3'
Protein context (NP_068780.2, residues 113-133): TAKDKALQHM[Ala123Val]AMSSAQIVSA

ClinVar aggregate classification (germline): Uncertain significance. Review status: criteria provided, multiple submitters, no conflicts (2 of 4 stars). 3 submissions from 3 submitters: Uncertain significance (3). Last evaluated 2025-09-01.

Conditions:
Inborn genetic diseases. Identifiers: MedGen C0950123, MeSH D030342.

Allele frequency attached by ClinVar (database versions not stated): gnomAD exomes below 0.00001; TOPMed 0.00002; gnomAD 0.00003.
gnomAD v4.1: 8 of 1,614,088 alleles (0.0005%); highest among the groups gnomAD compares: Admixed American, 0.0033%; no homozygotes.

Submissions (3):

Ambry Genetics
Classification: Uncertain significance for Inborn genetic diseases. Last evaluated: 2025-09-01. Review status: criteria provided, single submitter. Criteria: Ambry Variant Classification Scheme 2023. Collection method: clinical testing. Allele origin: germline.

Blueprint Genetics
Classification: Uncertain significance. Last evaluated: 2024-11-25. Review status: criteria provided, single submitter. Criteria: ACMG Guidelines, 2015. Collection method: clinical testing. Allele origin: germline.

Labcorp Genetics (formerly Invitae), Labcorp
Classification: Uncertain significance. Last evaluated: 2024-10-02. Review status: criteria provided, single submitter. Criteria: Invitae Variant Classification Sherloc (09022015). Collection method: clinical testing. Allele origin: germline.
Comment: This sequence change replaces alanine, which is neutral and non-polar, with valine, which is neutral and non-polar, at codon 123 of the TEAD1 protein (p.Ala123Val). This variant is present in population databases (no rsID available, gnomAD 0.01%). This variant has not been reported in the literature in individuals affected with TEAD1-related conditions. ClinVar contains an entry for this variant (Variation ID: 1011663). Invitae Evidence Modeling of protein sequence and biophysical properties (such as structural, functional, and spatial information, amino acid conservation, physicochemical variation, residue mobility, and thermodynamic stability) indicates that this missense variant is not expected to disrupt TEAD1 protein function with a negative predictive value of 80%. In summary, the available evidence is currently insufficient to determine the role of this variant in disease. Therefore, it has been classified as a Variant of Uncertain Significance.